The following is an entry in ClinVar:

NM_001378969.1(KCND3):c.218T>A (p.Phe73Tyr)

Gene: KCND3 (potassium voltage-gated channel subfamily D member 3; minus strand). Cytogenetic location: 1p13.2.
Variant type: single nucleotide variant.
Coding change: c.218T>A on transcript NM_001378969.1 (MANE Select); coding-DNA position 218, T replaced by A.
Protein change: p.Phe73Tyr; replaces phenylalanine 73 with tyrosine.
Molecular consequence: missense variant.
Genome position (GRCh38, 1-based): chr1:111,982,509, A>T on the plus strand (T>A on the coding strand, the complement: KCND3 is on the minus strand). VCF-style: chr1-111982509-A-T. GRCh37 (hg19) VCF-style: chr1-112525131-A-T.
Other names: c.218T>A, p.Phe73Tyr (NM_004980.5, NM_172198.3, NM_001378970.1); short protein forms F73Y.
Identifiers: ClinVar variation 2793375 (VCV002793375.3), dbSNP rs1177438078, ClinGen allele CA341822653.

ClinVar aggregate classification (germline): Uncertain significance (1 of 4 stars; one submission).

Conditions:
Spinocerebellar ataxia type 19/22 (SCA19). Also called: SPINOCEREBELLAR ATAXIA 19; SPINOCEREBELLAR ATAXIA 22. Identifiers: Orphanet 98772, MedGen C1846367, MONDO:0011819, OMIM 607346.

Allele frequency attached by ClinVar (database versions not stated): TOPMed below 0.00001; gnomAD 0.00001; gnomAD exomes 0.00001.
gnomAD v4.1: 18 of 1,607,362 alleles (0.0011%); highest among the groups gnomAD compares: Non-Finnish European, 0.0015%; no homozygotes.

Submission:

Labcorp Genetics (formerly Invitae), Labcorp
Classification: Uncertain significance for Spinocerebellar ataxia type 19/22. Last evaluated: 2023-09-27. Review status: criteria provided, single submitter. Criteria: Invitae Variant Classification Sherloc (09022015). Collection method: clinical testing. Allele origin: germline.
Comment: This variant has not been reported in the literature in individuals affected with KCND3-related conditions. Advanced modeling of protein sequence and biophysical properties (such as structural, functional, and spatial information, amino acid conservation, physicochemical variation, residue mobility, and thermodynamic stability) performed at Invitae indicates that this missense variant is not expected to disrupt KCND3 protein function. In summary, the available evidence is currently insufficient to determine the role of this variant in disease. Therefore, it has been classified as a Variant of Uncertain Significance. This sequence change replaces phenylalanine, which is neutral and non-polar, with tyrosine, which is neutral and polar, at codon 73 of the KCND3 protein (p.Phe73Tyr). This variant is present in population databases (no rsID available, gnomAD 0.0009%).